The following is an entry in ClinVar:

ClinVar aggregate classification (germline): Uncertain significance (1 of 4 stars; one submission).

gnomAD v4.1: 1 of 1,614,252 alleles (0.000062%); no homozygotes.

Submission:

Labcorp Genetics (formerly Invitae), Labcorp
Classification: Uncertain significance. Last evaluated: 2023-07-09. Review status: criteria provided, single submitter. Criteria: Invitae Variant Classification Sherloc (09022015). Collection method: clinical testing. Allele origin: germline.
Comment: This variant is not present in population databases (gnomAD no frequency). An algorithm developed to predict the effect of missense changes on protein structure and function (PolyPhen-2) suggests that this variant is likely to be tolerated. This variant has not been reported in the literature in individuals affected with SLC7A14-related conditions. This sequence change replaces methionine, which is neutral and non-polar, with lysine, which is basic and polar, at codon 544 of the SLC7A14 protein (p.Met544Lys). In summary, the available evidence is currently insufficient to determine the role of this variant in disease. Therefore, it has been classified as a Variant of Uncertain Significance.

NM_020949.3(SLC7A14):c.1631T>A (p.Met544Lys)

Genes: SLC7A14 (solute carrier family 7 member 14; minus strand), SLC7A14-AS1 (SLC7A14 antisense RNA 1; plus strand). Cytogenetic location: 3q26.2.
Variant type: single nucleotide variant.
Coding change: c.1631T>A on transcript NM_020949.3 (MANE Select); coding-DNA position 1631, T replaced by A.
Protein change: p.Met544Lys; replaces methionine 544 with lysine.
Molecular consequence: missense variant.
Genome position (GRCh38, 1-based): chr3:170,480,651, A>T on the plus strand (T>A on the coding strand, the complement: SLC7A14 is on the minus strand). VCF-style: chr3-170480651-A-T. GRCh37 (hg19) VCF-style: chr3-170198440-A-T.
Other names: short protein forms M544K.
Identifiers: ClinVar variation 2739992 (VCV002739992.3), dbSNP rs746457289, ClinGen allele CA355489833.